The following is an entry in ClinVar:

NM_000293.3(PHKB):c.1693-3C>T

Gene: PHKB (phosphorylase kinase regulatory subunit beta; plus strand). Cytogenetic location: 16q12.1.
Variant type: single nucleotide variant.
Coding change: c.1693-3C>T on transcript NM_000293.3 (MANE Select); 3 bases into the intron before coding-DNA position 1693, C replaced by T.
Molecular consequence: intron variant.
Genome position (GRCh38, 1-based): chr16:47,649,097, C>T. VCF-style: chr16-47649097-C-T. GRCh37 (hg19) VCF-style: chr16-47683008-C-T.
Other names: c.1693-3C>T (NM_001363837.1); c.1672-3C>T (NM_001031835.3).
Identifiers: ClinVar variation 384263 (VCV000384263.1), dbSNP rs372208366, ClinGen allele CA8040938.

ClinVar aggregate classification (germline): Likely benign (1 of 4 stars; one submission).

Allele frequency attached by ClinVar (database versions not stated): gnomAD exomes below 0.00001; TOPMed 0.00001; ExAC 0.00001; gnomAD 0.00002; ESP Exome Variant Server 0.00008.
gnomAD v4.1: 5 of 1,546,908 alleles (0.00032%); highest among the groups gnomAD compares: African/African-American, 0.0068%; no homozygotes.

Submission:

GeneDx
Classification: Likely benign. Last evaluated: 2016-03-31. Review status: criteria provided, single submitter. Criteria: GeneDx Variant Classification (06012015). Collection method: clinical testing. Allele origin: germline. Affected: yes.
Comment: This variant is considered likely benign or benign based on one or more of the following criteria: it is a conservative change, it occurs at a poorly conserved position in the protein, it is predicted to be benign by multiple in silico algorithms, and/or has population frequency not consistent with disease.